The following is an entry in ClinVar:

NM_004260.4(RECQL4):c.2695G>A (p.Gly899Ser)

Gene: RECQL4 (RecQ like helicase 4; minus strand). Cytogenetic location: 8q24.3.
Variant type: single nucleotide variant.
Coding change: c.2695G>A on transcript NM_004260.4 (MANE Select); coding-DNA position 2695, G replaced by A.
Protein change: p.Gly899Ser; replaces glycine 899 with serine.
Molecular consequence: missense variant. On other transcripts: non-coding transcript variant (3).
Genome position (GRCh38, 1-based): chr8:144,512,907, C>T on the plus strand (G>A on the coding strand, the complement: RECQL4 is on the minus strand). VCF-style: chr8-144512907-C-T. GRCh37 (hg19) VCF-style: chr8-145738290-C-T.
Other names: c.2695G>A (NM_004260.3); c.2401G>A, p.Gly801Ser (NM_001413017.1); c.2497G>A, p.Gly833Ser (NM_001413018.1); c.2695G>A, p.Gly899Ser (NM_001413019.1, NM_001413036.1); c.2599G>A, p.Gly867Ser (NM_001413020.1); c.1624G>A, p.Gly542Ser (NM_001413021.1, NM_001413022.1, NM_001413023.1 and 5 more transcripts); c.2566G>A, p.Gly856Ser (NM_001413025.1); c.1558G>A, p.Gly520Ser (NM_001413027.1, NM_001413041.1, NM_001413030.1 and 1 more transcripts); and 7 more; short protein forms G476S, G782S, G867S, G498S, G542S, G899S, G410S, G520S.
Identifiers: ClinVar variation 3016077 (VCV003016077.4), dbSNP rs1827525226, ClinGen allele CA372675172.

ClinVar aggregate classification (germline): Uncertain significance. Review status: criteria provided, multiple submitters, no conflicts (2 of 4 stars). 2 submissions from 2 submitters: Uncertain significance (2). Last evaluated 2024-11-30.

Conditions:
Inborn genetic diseases. Identifiers: MedGen C0950123, MeSH D030342.
Baller-Gerold syndrome (BGS). Also called: CRANIOSYNOSTOSIS WITH RADIAL DEFECTS. Identifiers: Orphanet 1225, MedGen C0265308, MONDO:0009039, OMIM 218600.

Submissions (2):

Ambry Genetics
Classification: Uncertain significance for Inborn genetic diseases. Last evaluated: 2024-11-30. Review status: criteria provided, single submitter. Criteria: Ambry Variant Classification Scheme 2023. Collection method: clinical testing. Allele origin: germline.
Comment: The p.G899S variant (also known as c.2695G>A), located in coding exon 15 of the RECQL4 gene, results from a G to A substitution at nucleotide position 2695. The glycine at codon 899 is replaced by serine, an amino acid with similar properties. This amino acid position is conserved. In addition, this alteration is predicted to be tolerated by in silico analysis. Based on the available evidence, the clinical significance of this variant remains unclear.

Labcorp Genetics (formerly Invitae), Labcorp
Classification: Uncertain significance for Baller-Gerold syndrome. Last evaluated: 2022-11-14. Review status: criteria provided, single submitter. Criteria: Invitae Variant Classification Sherloc (09022015). Collection method: clinical testing. Allele origin: germline.
Comment: In summary, the available evidence is currently insufficient to determine the role of this variant in disease. Therefore, it has been classified as a Variant of Uncertain Significance. This sequence change replaces glycine, which is neutral and non-polar, with serine, which is neutral and polar, at codon 899 of the RECQL4 protein (p.Gly899Ser). This variant is not present in population databases (gnomAD no frequency). This variant has not been reported in the literature in individuals affected with RECQL4-related conditions. Advanced modeling of protein sequence and biophysical properties (such as structural, functional, and spatial information, amino acid conservation, physicochemical variation, residue mobility, and thermodynamic stability) performed at Invitae indicates that this missense variant is expected to disrupt RECQL4 protein function.